The following is an entry in ClinVar:

NM_014423.4(AFF4):c.1064C>T (p.Ser355Phe)

Gene: AFF4 (ALF transcription elongation factor 4; minus strand). Cytogenetic location: 5q31.1.
Variant type: single nucleotide variant.
Coding change: c.1064C>T on transcript NM_014423.4 (MANE Select); coding-DNA position 1064, C replaced by T.
Protein change: p.Ser355Phe; replaces serine 355 with phenylalanine.
Molecular consequence: missense variant.
Genome position (GRCh38, 1-based): chr5:132,904,391, G>A on the plus strand (C>T on the coding strand, the complement: AFF4 is on the minus strand). VCF-style: chr5-132904391-G-A. GRCh37 (hg19) VCF-style: chr5-132240083-G-A.
Other names: short protein forms S355F.
Identifiers: ClinVar variation 1723500 (VCV001723500.2), dbSNP rs751075439, ClinGen allele CA127277787.

ClinVar aggregate classification (germline): Uncertain significance (1 of 4 stars; one submission).

gnomAD v4.1: 6 of 1,610,314 alleles (0.00037%); highest among the groups gnomAD compares: Non-Finnish European, 0.00051%; no homozygotes.

Submission:

GeneDx
Classification: Uncertain significance. Last evaluated: 2022-05-10. Review status: criteria provided, single submitter. Criteria: GeneDx Variant Classification Process June 2021. Collection method: clinical testing. Allele origin: germline. Affected: yes.
Comment: Not observed at significant frequency in large population cohorts (gnomAD); In silico analysis supports that this missense variant does not alter protein structure/function; Has not been previously published as pathogenic or benign to our knowledge